The following is an entry in ClinVar:

NM_001384140.1(PCDH15):c.2168G>T (p.Arg723Ile)

Gene: PCDH15 (protocadherin related 15; minus strand). Cytogenetic location: 10q21.1.
Variant type: single nucleotide variant.
Coding change: c.2168G>T on transcript NM_001384140.1 (MANE Select); coding-DNA position 2168, G replaced by T.
Protein change: p.Arg723Ile; replaces arginine 723 with isoleucine.
Molecular consequence: missense variant.
Genome position (GRCh38, 1-based): chr10:54,066,809, C>A on the plus strand (G>T on the coding strand, the complement: PCDH15 is on the minus strand). VCF-style: chr10-54066809-C-A. GRCh37 (hg19) VCF-style: chr10-55826569-C-A.
Other names: c.2183G>T, p.Arg728Ile (NM_001142763.2, NM_001142771.2); c.2168G>T, p.Arg723Ile (NM_001142764.2, NM_001142766.2, NM_001142770.3 and 5 more transcripts); c.1955G>T, p.Arg652Ile (NM_001142765.2); c.2057G>T, p.Arg686Ile (NM_001142767.2); c.2102G>T, p.Arg701Ile (NM_001142768.2, NM_001142773.2, NM_001354404.2); c.2204G>T, p.Arg735Ile (NM_001142769.4); c.2189G>T, p.Arg730Ile (NM_001354411.2); short protein forms R701I, R723I, R652I, R686I, R728I, R730I, R735I.
Identifiers: ClinVar variation 971816 (VCV000971816.7), dbSNP rs1428697668, ClinGen allele CA376516953.
Genomic context (GRCh38, chr10:54,066,809, plus strand): 5'-CCACTTACTTTTACTTGACCCACAAAGGCATTGGCTTCTTCTTCCACCACAGATAAATTT[C>A]TTGGCAGATAAGGATCAAACACTGGAGCATTGTCATTGACATCTGTCACCACTATGTTTA-3'
Protein context (NP_001371069.1, residues 713-733): NAPVFDPYLP[Arg723Ile]NLSVVEEEAN

ClinVar aggregate classification (germline): Uncertain significance (1 of 4 stars; one submission).

Allele frequency attached by ClinVar (database versions not stated): TOPMed 0.00001.

Submission:

Labcorp Genetics (formerly Invitae), Labcorp
Classification: Uncertain significance. Last evaluated: 2021-09-01. Review status: criteria provided, single submitter. Criteria: Invitae Variant Classification Sherloc (09022015). Collection method: clinical testing. Allele origin: germline.
Comment: This sequence change replaces arginine with isoleucine at codon 723 of the PCDH15 protein (p.Arg723Ile). The arginine residue is moderately conserved and there is a moderate physicochemical difference between arginine and isoleucine. This variant is not present in population databases (ExAC no frequency). This variant has not been reported in the literature in individuals affected with PCDH15-related conditions. Algorithms developed to predict the effect of missense changes on protein structure and function (SIFT, PolyPhen-2, Align-GVGD) all suggest that this variant is likely to be tolerated. In summary, the available evidence is currently insufficient to determine the role of this variant in disease. Therefore, it has been classified as a Variant of Uncertain Significance.